The following is an entry in ClinVar:

NM_033026.6(PCLO):c.4358dup (p.Ser1454fs)

Gene: PCLO (piccolo presynaptic cytomatrix protein; minus strand). Cytogenetic location: 7q21.11.
Variant type: Duplication.
Coding change: c.4358dup on transcript NM_033026.6 (MANE Select); coding-DNA position 4358, one base duplicated (A; older notation c.4358dupA).
Protein change: p.Ser1454fs; shifts the reading frame from serine 1454.
Molecular consequence: frameshift variant.
Genome position (GRCh38, 1-based): chr7:82,956,595, T duplicated on the plus strand (A on the coding strand, the reverse complement: PCLO is on the minus strand). VCF-style (leftmost placement, unchanged base first): chr7-82956594-C-CT. GRCh37 (hg19) VCF-style: chr7-82585910-C-CT.
Other names: c.4358dup, p.Ser1454fs (NM_014510.3); short protein forms S1454fs.
Identifiers: ClinVar variation 1456869 (VCV001456869.6), dbSNP rs2115578318, ClinGen allele CA2573142498.

ClinVar aggregate classification (germline): Pathogenic (1 of 4 stars; one submission).

Submission:

Labcorp Genetics (formerly Invitae), Labcorp
Classification: Pathogenic. Last evaluated: 2021-08-20. Review status: criteria provided, single submitter. Criteria: Invitae Variant Classification Sherloc (09022015). Collection method: clinical testing. Allele origin: germline.
Comment: This sequence change creates a premature translational stop signal (p.Ser1454Glufs*4) in the PCLO gene. It is expected to result in an absent or disrupted protein product. Loss-of-function variants in PCLO are known to be pathogenic (PMID: 25832664, 30287594). For these reasons, this variant has been classified as Pathogenic. This variant has not been reported in the literature in individuals affected with PCLO-related conditions. This variant is not present in population databases (ExAC no frequency).

Literature cited by the submitters: PubMed 25832664; PubMed 30287594.